The following is an entry in ClinVar:

NM_000059.4(BRCA2):c.3501A>G (p.Ile1167Met)

Gene: BRCA2 (BRCA2 DNA repair associated; plus strand). Cytogenetic location: 13q13.1.
Variant type: single nucleotide variant.
Coding change: c.3501A>G on transcript NM_000059.4 (MANE Select); coding-DNA position 3501, A replaced by G.
Protein change: p.Ile1167Met; replaces isoleucine 1167 with methionine.
Molecular consequence: missense variant.
Genome position (GRCh38, 1-based): chr13:32,337,856, A>G. VCF-style: chr13-32337856-A-G. GRCh37 (hg19) VCF-style: chr13-32911993-A-G.
Other names: short protein forms I1167M.
Identifiers: ClinVar variation 823859 (VCV000823859.9), dbSNP rs1593899752, ClinGen allele CA387776945.

ClinVar aggregate classification (germline): Conflicting classifications of pathogenicity. Review status: criteria provided, conflicting classifications (1 of 4 stars). 3 submissions from 3 submitters: Uncertain significance (2); Likely benign (1). Last evaluated 2023-12-06.

Conditions:
Hereditary breast ovarian cancer syndrome. Also called: Hereditary breast and ovarian cancer syndrome; Hereditary breast and ovarian cancer; Hereditary breast and ovarian cancer syndrome (HBOC); Breast and ovarian cancer; Hereditary breast and/or ovarian cancer syndrome; BRCA1- and BRCA2-Associated Hereditary Breast and Ovarian Cancer. Identifiers: Orphanet 145, MedGen C0677776, MeSH D061325, MONDO:0003582. Disease mechanism: loss of function.
Hereditary cancer-predisposing syndrome. Also called: Neoplastic Syndromes, Hereditary; Tumor predisposition; Hereditary neoplastic syndrome; Hereditary Cancer Syndrome. Identifiers: Orphanet 140162, MedGen C0027672, MeSH D009386, MONDO:0015356.

Allele frequency attached by ClinVar (database versions not stated): gnomAD exomes below 0.00001.
gnomAD v4.1: 2 of 1,614,106 alleles (0.00012%); highest among the groups gnomAD compares: East Asian, 0.0045%; no homozygotes.

Submissions (3):

Labcorp Genetics (formerly Invitae), Labcorp
Classification: Uncertain significance for Hereditary breast ovarian cancer syndrome. Last evaluated: 2023-12-06. Review status: criteria provided, single submitter. Criteria: Invitae Variant Classification Sherloc (09022015). Collection method: clinical testing. Allele origin: germline.
Comment: This sequence change replaces isoleucine, which is neutral and non-polar, with methionine, which is neutral and non-polar, at codon 1167 of the BRCA2 protein (p.Ile1167Met). This variant is not present in population databases (gnomAD no frequency). This missense change has been observed in individual(s) with breast cancer (PMID: 30287823). ClinVar contains an entry for this variant (Variation ID: 823859). Advanced modeling of protein sequence and biophysical properties (such as structural, functional, and spatial information, amino acid conservation, physicochemical variation, residue mobility, and thermodynamic stability) performed at Invitae indicates that this missense variant is not expected to disrupt BRCA2 protein function with a negative predictive value of 95%. In summary, the available evidence is currently insufficient to determine the role of this variant in disease. Therefore, it has been classified as a Variant of Uncertain Significance.

University of Washington Department of Laboratory Medicine, University of Washington
Classification: Likely benign for Hereditary cancer-predisposing syndrome. Last evaluated: 2023-03-23. Review status: criteria provided, single submitter. Criteria: Dines et al. (Genet Med. 2020). Collection method: curation. Allele origin: germline.
Comment: Missense variant in a coldspot region where missense variants are very unlikely to be pathogenic (PMID:31911673).

BRCA2 exon 11 coldspot. Reclassification based on statistical prior probability.

Ambry Genetics
Classification: Uncertain significance for Hereditary cancer-predisposing syndrome. Last evaluated: 2019-02-12. Review status: criteria provided, single submitter. Criteria: Ambry Variant Classification Scheme 2023. Collection method: clinical testing. Allele origin: germline.
Comment: The p.I1167M variant (also known as c.3501A>G), located in coding exon 10 of the BRCA2 gene, results from an A to G substitution at nucleotide position 3501. The isoleucine at codon 1167 is replaced by methionine, an amino acid with highly similar properties. This alteration has been reported with a carrier frequency of 1 in 7,051 unselected breast cancer patients and 0 in 11,241 female controls of Japanese ancestry (Momozawa Y et al. Nat Commun, 2018 10;9:4083). This amino acid position is poorly conserved in available vertebrate species. In addition, this alteration is predicted to be tolerated by in silico analysis. Since supporting evidence is limited at this time, the clinical significance of this alteration remains unclear.

Literature cited by the submitters: PubMed 30287823 (cited by Labcorp Genetics (formerly Invitae), Labcorp and Ambry Genetics).